The following is an entry in ClinVar:

NM_182493.3(MYLK3):c.1651G>A (p.Ala551Thr)

Gene: MYLK3 (myosin light chain kinase 3; minus strand). Cytogenetic location: 16q11.2.
Variant type: single nucleotide variant.
Coding change: c.1651G>A on transcript NM_182493.3 (MANE Select); coding-DNA position 1651, G replaced by A.
Protein change: p.Ala551Thr; replaces alanine 551 with threonine.
Molecular consequence: missense variant.
Genome position (GRCh38, 1-based): chr16:46,729,605, C>T on the plus strand (G>A on the coding strand, the complement: MYLK3 is on the minus strand). VCF-style: chr16-46729605-C-T. GRCh37 (hg19) VCF-style: chr16-46763517-C-T.
Other names: c.628G>A, p.Ala210Thr (NM_001308301.1); short protein forms A210T, A551T.
Identifiers: ClinVar variation 2221525 (VCV002221525.5), dbSNP rs1372638869, ClinGen allele CA395790993.

ClinVar aggregate classification (germline): Uncertain significance. Review status: criteria provided, multiple submitters, no conflicts (2 of 4 stars). 2 submissions from 2 submitters: Uncertain significance (2). Last evaluated 2025-09-26.

Allele frequency attached by ClinVar (database versions not stated): TOPMed 0.00002; gnomAD 0.00005.

Submissions (2):

Labcorp Genetics (formerly Invitae), Labcorp
Classification: Uncertain significance. Last evaluated: 2025-09-26. Review status: criteria provided, single submitter. Criteria: Invitae Variant Classification Sherloc (09022015). Collection method: clinical testing. Allele origin: germline.
Comment: This sequence change replaces alanine, which is neutral and non-polar, with threonine, which is neutral and polar, at codon 551 of the MYLK3 protein (p.Ala551Thr). This variant is present in population databases (no rsID available, gnomAD 0.002%). This variant has not been reported in the literature in individuals affected with MYLK3-related conditions. ClinVar contains an entry for this variant (Variation ID: 2221525). An algorithm developed to predict the effect of missense changes on protein structure and function outputs the following: PolyPhen-2: "Benign". The threonine amino acid residue is found in multiple mammalian species, which suggests that this missense change does not adversely affect protein function. In summary, the available evidence is currently insufficient to determine the role of this variant in disease. Therefore, it has been classified as a Variant of Uncertain Significance.

Ambry Genetics
Classification: Uncertain significance. Last evaluated: 2022-06-24. Review status: criteria provided, single submitter. Criteria: Ambry Variant Classification Scheme 2023. Collection method: clinical testing. Allele origin: germline.